The following is an entry in ClinVar:

ClinVar aggregate classification (germline): Uncertain significance (1 of 4 stars; one submission).

Conditions:
Inborn genetic diseases. Identifiers: MedGen C0950123, MeSH D030342.

Submission:

Ambry Genetics
Classification: Uncertain significance for Inborn genetic diseases. Last evaluated: 2025-04-11. Review status: criteria provided, single submitter. Criteria: Ambry Variant Classification Scheme 2023. Collection method: clinical testing. Allele origin: germline.
Comment: The p.H1033N variant (also known as c.3097C>A), located in coding exon 1 of the SAMD9L gene, results from a C to A substitution at nucleotide position 3097. The histidine at codon 1033 is replaced by asparagine, an amino acid with similar properties. This amino acid position is conserved. In addition, this alteration is predicted to be tolerated by in silico analysis. Based on the available evidence, the clinical significance of this variant remains unclear.

NM_152703.5(SAMD9L):c.3097C>A (p.His1033Asn)

Gene: SAMD9L (sterile alpha motif domain containing 9 like; minus strand). Cytogenetic location: 7q21.2.
Variant type: single nucleotide variant.
Coding change: c.3097C>A on transcript NM_152703.5 (MANE Select); coding-DNA position 3097, C replaced by A.
Protein change: p.His1033Asn; replaces histidine 1033 with asparagine.
Molecular consequence: missense variant.
Genome position (GRCh38, 1-based): chr7:93,132,875, G>T on the plus strand (C>A on the coding strand, the complement: SAMD9L is on the minus strand). VCF-style: chr7-93132875-G-T. GRCh37 (hg19) VCF-style: chr7-92762188-G-T.
Other names: c.3097C>A, p.His1033Asn (NM_001303496.3, NM_001303497.3, NM_001303498.3 and 5 more transcripts); short protein forms H1033N.
Identifiers: ClinVar variation 3949824 (VCV003949824.1).